The following is an entry in ClinVar:

NM_003494.4(DYSF):c.25G>A (p.Ala9Thr)

Gene: DYSF (dysferlin; plus strand). Cytogenetic location: 2p13.2.
Variant type: single nucleotide variant.
Coding change: c.25G>A on transcript NM_003494.4 (MANE Plus Clinical); coding-DNA position 25, G replaced by A.
Protein change: p.Ala9Thr; replaces alanine 9 with threonine.
Molecular consequence: missense variant.
Genome position (GRCh38, 1-based): chr2:71,454,023, G>A. VCF-style: chr2-71454023-G-A. GRCh37 (hg19) VCF-style: chr2-71681153-G-A.
Other names: c.25G>A, p.Ala9Thr (NM_001130976.2, NM_001130977.2, NM_001130978.2 and 3 more transcripts); short protein forms A9T.
Identifiers: ClinVar variation 2199205 (VCV002199205.3), dbSNP rs887165313, ClinGen allele CA49734222.
Genomic context (GRCh38, chr2:71,454,023, plus strand): 5'-GCGCCCTGGGCGCACGGGGCCCTACACGCGCCAAGCATGCTGAGGGTCTTCATCCTCTAT[G>A]CCGAGAACGTCCACACACCCGACACCGACATCAGCGATGCCTACTGCTCCGCGGTGTTTG-3'
Protein context (NP_003485.1, residues 1-19): MLRVFILY[Ala9Thr]ENVHTPDTDI

ClinVar aggregate classification (germline): Uncertain significance (1 of 4 stars; one submission).

Conditions:
Neuromuscular disease caused by qualitative or quantitative defects of dysferlin. Also called: Qualitative or quantitative defects of dysferlin; Dysferlinopathy. Identifiers: Orphanet 207073, MedGen C2931687, MONDO:0016145.

Submission:

Labcorp Genetics (formerly Invitae), Labcorp
Classification: Uncertain significance for Neuromuscular disease caused by qualitative or quantitative defects of dysferlin. Last evaluated: 2024-02-17. Review status: criteria provided, single submitter. Criteria: Invitae Variant Classification Sherloc (09022015). Collection method: clinical testing. Allele origin: germline.
Comment: This sequence change replaces alanine, which is neutral and non-polar, with threonine, which is neutral and polar, at codon 9 of the DYSF protein (p.Ala9Thr). This variant is not present in population databases (gnomAD no frequency). This variant has not been reported in the literature in individuals affected with DYSF-related conditions. ClinVar contains an entry for this variant (Variation ID: 2199205). Advanced modeling of protein sequence and biophysical properties (such as structural, functional, and spatial information, amino acid conservation, physicochemical variation, residue mobility, and thermodynamic stability) has been performed at Invitae for this missense variant, however the output from this modeling did not meet the statistical confidence thresholds required to predict the impact of this variant on DYSF protein function. In summary, the available evidence is currently insufficient to determine the role of this variant in disease. Therefore, it has been classified as a Variant of Uncertain Significance.